The following is an entry in ClinVar:

ClinVar aggregate classification (germline): Uncertain significance (1 of 4 stars; one submission).

Conditions:
Progressive sclerosing poliodystrophy (MTDPS4A). Also called: Mitochondrial DNA Depletion Syndrome 4A; ALPERS PROGRESSIVE INFANTILE POLIODYSTROPHY; NEURONAL DEGENERATION OF CHILDHOOD WITH LIVER DISEASE, PROGRESSIVE; Mitochondrial DNA depletion syndrome 4A (Alpers type); Alpers-Huttenlocher Syndrome (AHS); Alpers Syndrome. Identifiers: Orphanet 726, MedGen C0205710, MONDO:0008758, OMIM 203700.

gnomAD v4.1: 1 of 1,613,878 alleles (0.000062%); highest among the groups gnomAD compares: Non-Finnish European, 0.000085%; no homozygotes.

Submission:

Labcorp Genetics (formerly Invitae), Labcorp
Classification: Uncertain significance for Progressive sclerosing poliodystrophy. Last evaluated: 2022-02-05. Review status: criteria provided, single submitter. Criteria: Invitae Variant Classification Sherloc (09022015). Collection method: clinical testing. Allele origin: germline.
Comment: This variant has not been reported in the literature in individuals affected with POLG-related conditions. In summary, the available evidence is currently insufficient to determine the role of this variant in disease. Therefore, it has been classified as a Variant of Uncertain Significance. Algorithms developed to predict the effect of missense changes on protein structure and function (SIFT, PolyPhen-2, Align-GVGD) all suggest that this variant is likely to be disruptive. This variant is not present in population databases (gnomAD no frequency). This sequence change replaces phenylalanine, which is neutral and non-polar, with serine, which is neutral and polar, at codon 770 of the POLG protein (p.Phe770Ser).

NM_002693.3(POLG):c.2309T>C (p.Phe770Ser)

Gene: POLG (DNA polymerase gamma, catalytic subunit; minus strand). Cytogenetic location: 15q26.1.
Variant type: single nucleotide variant.
Coding change: c.2309T>C on transcript NM_002693.3 (MANE Select); coding-DNA position 2309, T replaced by C.
Protein change: p.Phe770Ser; replaces phenylalanine 770 with serine.
Molecular consequence: missense variant.
Genome position (GRCh38, 1-based): chr15:89,322,859, A>G on the plus strand (T>C on the coding strand, the complement: POLG is on the minus strand). VCF-style: chr15-89322859-A-G. GRCh37 (hg19) VCF-style: chr15-89866090-A-G.
Other names: c.2309T>C, p.Phe770Ser (NM_001126131.2); short protein forms F770S.
Identifiers: ClinVar variation 1979519 (VCV001979519.4), dbSNP rs2509227105, ClinGen allele CA393756507.
Genomic context (GRCh38, chr15:89,322,859, plus strand): 5'-CGGGGCCCACTGGCACCTCCTGGGCCAGCCTGCAGGGTGCCATCCTCCATCTTGGGCAGG[A>G]AGTCCTTGGCAAAGGGGCTTCCCACATTACAGCTATTACCATCCTGGACAGAGCAAAGGA-3'
Protein context (NP_002684.1, residues 760-780): CNVGSPFAKD[Phe770Ser]LPKMEDGTLQ